The following is an entry in ClinVar:

NM_001291088.2(WDR87):c.3788G>A (p.Arg1263Gln)

Gene: WDR87 (WD repeat domain 87; minus strand). Cytogenetic location: 19q13.13.
Variant type: single nucleotide variant.
Coding change: c.3788G>A on transcript NM_001291088.2 (MANE Select); coding-DNA position 3788, G replaced by A.
Protein change: p.Arg1263Gln; replaces arginine 1263 with glutamine.
Molecular consequence: missense variant.
Genome position (GRCh38, 1-based): chr19:37,889,883, C>T on the plus strand (G>A on the coding strand, the complement: WDR87 is on the minus strand). VCF-style: chr19-37889883-C-T. GRCh37 (hg19) VCF-style: chr19-38380523-C-T.
Other names: c.3671G>A, p.Arg1224Gln (NM_031951.5); short protein forms R1224Q, R1263Q.
Identifiers: ClinVar variation 1362163 (VCV001362163.6), dbSNP rs775353251, ClinGen allele CA9408695.

ClinVar aggregate classification (germline): Uncertain significance (1 of 4 stars; one submission).

Allele frequency attached by ClinVar (database versions not stated): gnomAD exomes 0.00003 and 0.00014; ExAC 0.00005; gnomAD 0.00005 and 0.00006; TOPMed 0.00013.
gnomAD v4.1: 54 of 1,551,544 alleles (0.0035%); highest among the groups gnomAD compares: Admixed American, 0.043%; no homozygotes.

Submission:

Labcorp Genetics (formerly Invitae), Labcorp
Classification: Uncertain significance. Last evaluated: 2022-11-22. Review status: criteria provided, single submitter. Criteria: Invitae Variant Classification Sherloc (09022015). Collection method: clinical testing. Allele origin: germline.
Comment: This variant is present in population databases (rs775353251, gnomAD 0.07%), and has an allele count higher than expected for a pathogenic variant. This variant has not been reported in the literature in individuals affected with WDR87-related conditions. ClinVar contains an entry for this variant (Variation ID: 1362163). Algorithms developed to predict the effect of missense changes on protein structure and function output the following: SIFT: "Tolerated"; PolyPhen-2: "Benign"; Align-GVGD: "Class C0". The glutamine amino acid residue is found in multiple mammalian species, which suggests that this missense change does not adversely affect protein function. In summary, the available evidence is currently insufficient to determine the role of this variant in disease. Therefore, it has been classified as a Variant of Uncertain Significance. This sequence change replaces arginine, which is basic and polar, with glutamine, which is neutral and polar, at codon 1224 of the WDR87 protein (p.Arg1224Gln).